The following is an entry in ClinVar:

NM_001128178.3(NPHP1):c.1763G>A (p.Arg588Lys)

Gene: NPHP1 (nephrocystin 1; minus strand). Cytogenetic location: 2q13.
Variant type: single nucleotide variant.
Coding change: c.1763G>A on transcript NM_001128178.3 (MANE Select); coding-DNA position 1763, G replaced by A.
Protein change: p.Arg588Lys; replaces arginine 588 with lysine.
Molecular consequence: missense variant. On other transcripts: 3 prime UTR variant (1).
Genome position (GRCh38, 1-based): chr2:110,124,062, C>T on the plus strand (G>A on the coding strand, the complement: NPHP1 is on the minus strand). VCF-style: chr2-110124062-C-T. GRCh37 (hg19) VCF-style: chr2-110881639-C-T.
Other names: c.1931G>A, p.Arg644Lys (NM_000272.5); c.1574G>A, p.Arg525Lys (NM_001128179.3); c.1760G>A, p.Arg587Lys (NM_001374256.1); c.*5G>A (NM_001374257.1); c.1928G>A, p.Arg643Lys (NM_207181.4); short protein forms R525K, R587K, R588K, R643K, R644K.
Identifiers: ClinVar variation 3354387 (VCV003354387.1).

ClinVar aggregate classification (germline): Uncertain significance (0 of 4 stars; one submission).

Conditions:
NPHP1-related disorder. Also called: NPHP1-related disorders; NPHP1-related condition.

Submission:

PreventionGenetics, part of Exact Sciences
Classification: Uncertain significance for NPHP1-related condition. Last evaluated: 2024-07-15. Review status: no assertion criteria provided. Collection method: clinical testing. Allele origin: germline.
Comment: The NPHP1 c.1931G>A variant is predicted to result in the amino acid substitution p.Arg644Lys. To our knowledge, this variant has not been reported in the literature. This variant is reported in 0.013% of alleles in individuals of South Asian descent in gnomAD. At this time, the clinical significance of this variant is uncertain due to the absence of conclusive functional and genetic evidence.